The following is an entry in ClinVar:

ClinVar aggregate classification (germline): Uncertain significance. Review status: criteria provided, multiple submitters, no conflicts (2 of 4 stars). 2 submissions from 2 submitters: Uncertain significance (2). Last evaluated 2024-06-01.

Allele frequency attached by ClinVar (database versions not stated): gnomAD exomes 0.00001.
gnomAD v4.1: 6 of 1,613,942 alleles (0.00037%); highest among the groups gnomAD compares: Non-Finnish European, 0.00051%; no homozygotes.

Submissions (2):

CeGaT Center for Human Genetics Tuebingen
Classification: Uncertain significance. Last evaluated: 2024-06-01. Review status: criteria provided, single submitter. Criteria: CeGaT Center For Human Genetics Tuebingen Variant Classification Criteria Version 2. Collection method: clinical testing. Allele origin: germline. Affected: yes. Observed: 1 variant allele.
Comment: CLTC: PM2, PP2

Blueprint Genetics
Classification: Uncertain significance. Last evaluated: 2022-02-08. Review status: criteria provided, single submitter. Criteria: ACMG Guidelines, 2015. Collection method: clinical testing. Allele origin: germline.

NM_004859.4(CLTC):c.1189A>G (p.Thr397Ala)

Gene: CLTC (clathrin heavy chain; plus strand). Cytogenetic location: 17q23.1.
Variant type: single nucleotide variant.
Coding change: c.1189A>G on transcript NM_004859.4 (MANE Select); coding-DNA position 1189, A replaced by G.
Protein change: p.Thr397Ala; replaces threonine 397 with alanine.
Molecular consequence: missense variant.
Genome position (GRCh38, 1-based): chr17:59,661,464, A>G. VCF-style: chr17-59661464-A-G. GRCh37 (hg19) VCF-style: chr17-57738825-A-G.
Other names: c.1201A>G, p.Thr401Ala (NM_001288653.2); short protein forms T397A, T401A.
Identifiers: ClinVar variation 3251057 (VCV003251057.19), dbSNP rs2509378586.